The following is an entry in ClinVar:

ClinVar aggregate classification (germline): Uncertain significance (1 of 4 stars; one submission).

Submission:

GeneDx
Classification: Uncertain significance. Last evaluated: 2025-06-02. Review status: criteria provided, single submitter. Criteria: GeneDx Variant Classification Process June 2021. Collection method: clinical testing. Allele origin: germline. Affected: yes.
Comment: Not observed at significant frequency in large population cohorts (gnomAD); In silico analysis supports that this missense variant has a deleterious effect on protein structure/function; Has not been previously published as pathogenic or benign to our knowledge

NM_024496.4(IRF2BPL):c.2352A>C (p.Leu784Phe)

Gene: IRF2BPL (interferon regulatory factor 2 binding protein like; minus strand). Cytogenetic location: 14q24.3.
Variant type: single nucleotide variant.
Coding change: c.2352A>C on transcript NM_024496.4 (MANE Select); coding-DNA position 2352, A replaced by C.
Protein change: p.Leu784Phe; replaces leucine 784 with phenylalanine.
Molecular consequence: missense variant.
Genome position (GRCh38, 1-based): chr14:77,025,441, T>G on the plus strand (A>C on the coding strand, the complement: IRF2BPL is on the minus strand). VCF-style: chr14-77025441-T-G. GRCh37 (hg19) VCF-style: chr14-77491784-T-G.
Other names: short protein forms L784F.
Identifiers: ClinVar variation 4536519 (VCV004536519.1).
Genomic context (GRCh38, chr14:77,025,441, plus strand): 5'-AGGAGGTGGCTGCCCAGTGGTTCAAGGGTCTCTCTCCTTTTTCACTTTAACATCCCCAGC[T>G]AAGATAGTCGCGATTTCGCCCTGCATGAAGGCCCAAGGTACATTCGACCCGACTAGGGGG-3'
Protein context (NP_078772.1, residues 774-794): AFMQGEIATI[Leu784Phe]AGDVKVKKER